The following is an entry in ClinVar:

ClinVar aggregate classification (germline): Uncertain significance. Review status: criteria provided, single submitter (1 of 4 stars). 2 submissions from 2 submitters: Uncertain significance (1). 1 of the submissions does not count toward it. Last evaluated 2022-06-20.

Conditions:
Aicardi-Goutieres syndrome 5. Identifiers: Orphanet 51, MedGen C2749659, MONDO:0013059, OMIM 612952.
Aicardi Goutieres syndrome (AGS). Also called: Encephalopathy, familial infantile, with calcification of basal ganglia and chronic cerebrospinal fluid lymphocytosis. Identifiers: Orphanet 51, MedGen C0393591, MONDO:0018866.

Allele frequency attached by ClinVar (database versions not stated): gnomAD exomes below 0.00001; TOPMed below 0.00001; ExAC 0.00001; gnomAD 0.00001.
gnomAD v4.1: 2 of 1,613,988 alleles (0.00012%); highest among the groups gnomAD compares: African/African-American, 0.0027%; no homozygotes.

Submissions (2):

Labcorp Genetics (formerly Invitae), Labcorp
Classification: Uncertain significance for Aicardi-Goutieres syndrome 5. Last evaluated: 2022-06-20. Review status: criteria provided, single submitter. Criteria: Invitae Variant Classification Sherloc (09022015). Collection method: clinical testing. Allele origin: germline.
Comment: This sequence change replaces glutamic acid, which is acidic and polar, with glutamine, which is neutral and polar, at codon 188 of the SAMHD1 protein (p.Glu188Gln). This variant is present in population databases (rs781223072, gnomAD 0.007%). This variant has not been reported in the literature in individuals affected with SAMHD1-related conditions. ClinVar contains an entry for this variant (Variation ID: 844951). Algorithms developed to predict the effect of missense changes on protein structure and function are either unavailable or do not agree on the potential impact of this missense change (SIFT: "Tolerated"; PolyPhen-2: "Possibly Damaging"; Align-GVGD: "Class C0"). In summary, the available evidence is currently insufficient to determine the role of this variant in disease. Therefore, it has been classified as a Variant of Uncertain Significance.

Natera, Inc.
Classification: Uncertain significance for Aicardi-Goutieres syndrome. Last evaluated: 2020-03-13. Review status: no assertion criteria provided. Collection method: clinical testing. Allele origin: germline. Not counted in ClinVar's aggregate classification.

NM_015474.4(SAMHD1):c.562G>C (p.Glu188Gln)

Gene: SAMHD1 (SAM and HD domain containing deoxynucleoside triphosphate triphosphohydrolase 1; minus strand). Cytogenetic location: 20q11.23.
Variant type: single nucleotide variant.
Coding change: c.562G>C on transcript NM_015474.4 (MANE Select); coding-DNA position 562, G replaced by C.
Protein change: p.Glu188Gln; replaces glutamic acid 188 with glutamine.
Molecular consequence: missense variant.
Genome position (GRCh38, 1-based): chr20:36,930,823, C>G on the plus strand (G>C on the coding strand, the complement: SAMHD1 is on the minus strand). VCF-style: chr20-36930823-C-G. GRCh37 (hg19) VCF-style: chr20-35559226-C-G.
Other names: c.562G>C, p.Glu188Gln (NM_001363729.2, NM_001363733.2); short protein forms E188Q.
Identifiers: ClinVar variation 844951 (VCV000844951.8), dbSNP rs781223072, ClinGen allele CA9844706.